The following is an entry in ClinVar:

NM_004385.5(VCAN):c.2324G>T (p.Gly775Val)

Gene: VCAN (versican; plus strand). Cytogenetic location: 5q14.3.
Variant type: single nucleotide variant.
Coding change: c.2324G>T on transcript NM_004385.5 (MANE Select); coding-DNA position 2324, G replaced by T.
Protein change: p.Gly775Val; replaces glycine 775 with valine.
Molecular consequence: missense variant. On other transcripts: intron variant (2).
Genome position (GRCh38, 1-based): chr5:83,520,630, G>T. VCF-style: chr5-83520630-G-T. GRCh37 (hg19) VCF-style: chr5-82816449-G-T.
Other names: c.2324G>T, p.Gly775Val (NM_001164098.2); c.1042+8234G>T (NM_001164097.2, NM_001126336.3); short protein forms G775V.
Identifiers: ClinVar variation 3004916 (VCV003004916.3), dbSNP rs2479052084, ClinGen allele CA360303690.

ClinVar aggregate classification (germline): Uncertain significance (1 of 4 stars; one submission).

Submission:

Labcorp Genetics (formerly Invitae), Labcorp
Classification: Uncertain significance. Last evaluated: 2025-01-20. Review status: criteria provided, single submitter. Criteria: Invitae Variant Classification Sherloc (09022015). Collection method: clinical testing. Allele origin: germline.
Comment: This sequence change replaces glycine, which is neutral and non-polar, with valine, which is neutral and non-polar, at codon 775 of the VCAN protein (p.Gly775Val). This variant is not present in population databases (gnomAD no frequency). This variant has not been reported in the literature in individuals affected with VCAN-related conditions. ClinVar contains an entry for this variant (Variation ID: 3004916). An algorithm developed to predict the effect of missense changes on protein structure and function (PolyPhen-2) suggests that this variant is likely to be tolerated. In summary, the available evidence is currently insufficient to determine the role of this variant in disease. Therefore, it has been classified as a Variant of Uncertain Significance.